The following is an entry in ClinVar:

NM_004960.4(FUS):c.673G>A (p.Gly225Ser)

Gene: FUS (FUS RNA binding protein; plus strand). Cytogenetic location: 16p11.2.
Variant type: single nucleotide variant.
Coding change: c.673G>A on transcript NM_004960.4 (MANE Select); coding-DNA position 673, G replaced by A.
Protein change: p.Gly225Ser; replaces glycine 225 with serine.
Molecular consequence: missense variant. On other transcripts: non-coding transcript variant (1).
Genome position (GRCh38, 1-based): chr16:31,185,088, G>A. VCF-style: chr16-31185088-G-A. GRCh37 (hg19) VCF-style: chr16-31196409-G-A.
Other names: p.Gly225Ser; c.670G>A, p.Gly224Ser (NM_001170634.1); c.661G>A, p.Gly221Ser (NM_001170937.1); short protein forms G225S, G221S, G224S.
Identifiers: ClinVar variation 666021 (VCV000666021.9), dbSNP rs551577399, ClinGen allele CA8023748.

ClinVar aggregate classification (germline): Uncertain significance. Review status: criteria provided, multiple submitters, no conflicts (2 of 4 stars). 3 submissions from 3 submitters: Uncertain significance (2). 1 of the submissions does not count toward it. Last evaluated 2025-01-11.

Conditions:
FUS-related disorder. Also called: FUS-related condition.
Tremor, hereditary essential, 4 (ETM4). Identifiers: MedGen C3539195, MONDO:0013888, OMIM 614782.
Amyotrophic lateral sclerosis type 6. Also called: Amyotrophic lateral sclerosis 6, with or without frontotemporal dementia; FUS-Related Amyotrophic Laterial Sclerosis; AMYOTROPHIC LATERAL SCLEROSIS 6 WITHOUT FRONTOTEMPORAL DEMENTIA. Identifiers: Orphanet 275872, Orphanet 803, MedGen C2931786, MONDO:0011951, OMIM 608030.

Allele frequency attached by ClinVar (database versions not stated): gnomAD exomes 0.00001 and 0.00002; ExAC 0.00002; gnomAD 0.00003; TOPMed 0.00004; 1000 Genomes Project 0.00020.

Submissions (3):

Mayo Clinic Laboratories, Mayo Clinic
Classification: Uncertain significance. Last evaluated: 2025-01-11. Review status: criteria provided, single submitter. Criteria: ACMG Guidelines, 2015. Collection method: clinical testing. Allele origin: germline. Observed: 1 variant allele.
Comment: BS2

Labcorp Genetics (formerly Invitae), Labcorp
Classification: Uncertain significance for Tremor, hereditary essential, 4; Amyotrophic lateral sclerosis type 6. Last evaluated: 2024-01-13. Review status: criteria provided, single submitter. Criteria: Invitae Variant Classification Sherloc (09022015). Collection method: clinical testing. Allele origin: germline.
Comment: This sequence change replaces glycine, which is neutral and non-polar, with serine, which is neutral and polar, at codon 225 of the FUS protein (p.Gly225Ser). This variant is present in population databases (rs551577399, gnomAD 0.01%). This missense change has been observed in individual(s) with clinical features of early-onset Alzheimer disease (PMID: 30279455). ClinVar contains an entry for this variant (Variation ID: 666021). Experimental studies and prediction algorithms are not available or were not evaluated, and the functional significance of this variant is currently unknown. In summary, the available evidence is currently insufficient to determine the role of this variant in disease. Therefore, it has been classified as a Variant of Uncertain Significance.

PreventionGenetics, part of Exact Sciences
Classification: Uncertain significance for FUS-related condition. Last evaluated: 2024-03-28. Review status: no assertion criteria provided. Collection method: clinical testing. Allele origin: germline. Not counted in ClinVar's aggregate classification.
Comment: The FUS c.673G>A variant is predicted to result in the amino acid substitution p.Gly225Ser. This variant has been reported in an individual with early-onset Alzheimer disease (Table S3, Koriath et al. 2020. PubMed ID: 30279455). This variant is reported in 0.0054% of alleles in individuals of East Asian descent in gnomAD. A different missense impacting the same amino acid (c.674G>T, p.Gly225Val) has been reported in an individual with amyotrophic lateral sclerosis (ALS, Corrado et al. 2010. PubMed ID: 19861302); however, in vitro functional studies expressing the p.Gly225Val variant did not impact FUS localization or foci formation (Figure 5, Nomura et al. 2013. PubMed ID: 24280224). At this time, the clinical significance of the c.673G>A (p.Gly225Ser) variant is uncertain due to the absence of conclusive functional and genetic evidence.

Literature cited by the submitters: PubMed 30279455 (cited by Mayo Clinic Laboratories, Mayo Clinic and Labcorp Genetics (formerly Invitae), Labcorp).